The following is an entry in ClinVar:

ClinVar aggregate classification (germline): Uncertain significance (1 of 4 stars; one submission).

Conditions:
Fanconi anemia (FA). Also called: Fanconi's anemia. Identifiers: Orphanet 84, MedGen C0015625, MeSH D005199, MONDO:0019391.

Submission:

Labcorp Genetics (formerly Invitae), Labcorp
Classification: Uncertain significance for Fanconi anemia. Last evaluated: 2024-01-23. Review status: criteria provided, single submitter. Criteria: Invitae Variant Classification Sherloc (09022015). Collection method: clinical testing. Allele origin: germline.
Comment: A copy number gain of the genomic region encompassing the full coding sequence of the FANCI gene has been identified. The boundaries of this event are unknown as they extend beyond the assayed region for this gene and therefore may encompass additional genes. As the precise location of this event is unknown, it may be in tandem or it may be located elsewhere in the genome. This variant has not been reported in the literature in individuals affected with FANCI-related conditions. In summary, the available evidence is currently insufficient to determine the role of this variant in disease. Therefore, it has been classified as a Variant of Uncertain Significance.

NC_000015.9:g.(?_89790879)_(89859690_?)dup

Genes: FANCI (FA complementation group I; plus strand), POLG (DNA polymerase gamma, catalytic subunit; minus strand). Cytogenetic location: 15q26.1.
Variant type: Duplication.
Identifiers: ClinVar variation 1373554 (VCV001373554.2).